The following is an entry in ClinVar:

NM_004104.5(FASN):c.3595G>A (p.Ala1199Thr)

Gene: FASN (fatty acid synthase; minus strand). Cytogenetic location: 17q25.3.
Variant type: single nucleotide variant.
Coding change: c.3595G>A on transcript NM_004104.5 (MANE Select); coding-DNA position 3595, G replaced by A.
Protein change: p.Ala1199Thr; replaces alanine 1199 with threonine.
Molecular consequence: missense variant.
Genome position (GRCh38, 1-based): chr17:82,086,391, C>T on the plus strand (G>A on the coding strand, the complement: FASN is on the minus strand). VCF-style: chr17-82086391-C-T. GRCh37 (hg19) VCF-style: chr17-80044267-C-T.
Other names: short protein forms A1199T.
Identifiers: ClinVar variation 1426314 (VCV001426314.8), dbSNP rs1249074009, ClinGen allele CA401551804.

ClinVar aggregate classification (germline): Uncertain significance (1 of 4 stars; one submission).

Conditions:
Epileptic encephalopathy. Identifiers: MedGen C0543888, HP:0200134.

Allele frequency attached by ClinVar (database versions not stated): gnomAD exomes below 0.00001.
gnomAD v4.1: 1 of 1,610,236 alleles (0.000062%); highest among the groups gnomAD compares: South Asian, 0.0011%; no homozygotes.

Submission:

Labcorp Genetics (formerly Invitae), Labcorp
Classification: Uncertain significance for Epileptic encephalopathy. Last evaluated: 2020-11-27. Review status: criteria provided, single submitter. Criteria: Invitae Variant Classification Sherloc (09022015). Collection method: clinical testing. Allele origin: germline.
Comment: This sequence change replaces alanine with threonine at codon 1199 of the FASN protein (p.Ala1199Thr). The alanine residue is weakly conserved and there is a small physicochemical difference between alanine and threonine. In summary, the available evidence is currently insufficient to determine the role of this variant in disease. Therefore, it has been classified as a Variant of Uncertain Significance. Algorithms developed to predict the effect of missense changes on protein structure and function (SIFT, PolyPhen-2, Align-GVGD) all suggest that this variant is likely to be tolerated, but these predictions have not been confirmed by published functional studies and their clinical significance is uncertain. This variant has not been reported in the literature in individuals with FASN-related conditions. This variant is not present in population databases (ExAC no frequency).